The following is an entry in ClinVar:

ClinVar aggregate classification (germline): Uncertain significance (1 of 4 stars; one submission).

gnomAD v4.1: 4 of 1,614,236 alleles (0.00025%); highest among the groups gnomAD compares: Admixed American, 0.0017%; no homozygotes.

Submission:

Labcorp Genetics (formerly Invitae), Labcorp
Classification: Uncertain significance. Last evaluated: 2023-12-02. Review status: criteria provided, single submitter. Criteria: Invitae Variant Classification Sherloc (09022015). Collection method: clinical testing. Allele origin: germline.
Comment: This sequence change replaces leucine, which is neutral and non-polar, with valine, which is neutral and non-polar, at codon 1070 of the MYO1E protein (p.Leu1070Val). This variant is present in population databases (no rsID available, gnomAD 0.003%). This variant has not been reported in the literature in individuals affected with MYO1E-related conditions. An algorithm developed to predict the effect of missense changes on protein structure and function (PolyPhen-2) suggests that this variant is likely to be disruptive. In summary, the available evidence is currently insufficient to determine the role of this variant in disease. Therefore, it has been classified as a Variant of Uncertain Significance.

NM_004998.4(MYO1E):c.3208C>G (p.Leu1070Val)

Genes: MYO1E (myosin IE; minus strand), LOC112272600 (Sharpr-MPRA regulatory region 4265; plus strand). Cytogenetic location: 15q22.2.
Variant type: single nucleotide variant.
Coding change: c.3208C>G on transcript NM_004998.4 (MANE Select); coding-DNA position 3208, C replaced by G.
Protein change: p.Leu1070Val; replaces leucine 1070 with valine.
Molecular consequence: missense variant.
Genome position (GRCh38, 1-based): chr15:59,138,240, G>C on the plus strand (C>G on the coding strand, the complement: MYO1E is on the minus strand). VCF-style: chr15-59138240-G-C. GRCh37 (hg19) VCF-style: chr15-59430439-G-C.
Other names: short protein forms L1070V.
Identifiers: ClinVar variation 2883675 (VCV002883675.1), dbSNP rs1443405388, ClinGen allele CA392648321.
Genomic context (GRCh38, chr15:59,138,240, plus strand): 5'-AACCAGCCACACACTTACCTTCTTTGATAATATCAATAATGTCATTGGCATTAAAGCTGA[G>C]TTCGTCTGTGTCCTGAGCGTCATAGGCATACAAAGCCTTGCACTGTGGCACCTGAGGCTT-3'
Protein context (NP_004989.2, residues 1060-1080): YAYDAQDTDE[Leu1070Val]SFNANDIIDI